The following is an entry in ClinVar:

NM_007294.4(BRCA1):c.3733A>G (p.Ser1245Gly)

Genes: BRCA1 (BRCA1 DNA repair associated; minus strand), LOC126862571 (BRD4-independent group 4 enhancer GRCh37_chr17:41243136-41244335; plus strand). Cytogenetic location: 17q21.31.
Variant type: single nucleotide variant.
Coding change: c.3733A>G on transcript NM_007294.4 (MANE Select); coding-DNA position 3733, A replaced by G.
Protein change: p.Ser1245Gly; replaces serine 1245 with glycine.
Molecular consequence: missense variant. On other transcripts: intron variant (135).
Genome position (GRCh38, 1-based): chr17:43,091,798, T>C on the plus strand (A>G on the coding strand, the complement: BRCA1 is on the minus strand). VCF-style: chr17-43091798-T-C. GRCh37 (hg19) VCF-style: chr17-41243815-T-C.
Other names: c.3520A>G, p.Ser1174Gly (NM_001407571.1, NM_001407853.1, NM_001407894.1 and 9 more transcripts); c.3733A>G, p.Ser1245Gly (NM_001407581.1, NM_001407582.1, NM_001407583.1 and 30 more transcripts); c.3730A>G, p.Ser1244Gly (NM_001407587.1, NM_001407590.1, NM_001407591.1 and 22 more transcripts); c.3724A>G, p.Ser1242Gly (NM_001407646.1, NM_001407647.1); c.3610A>G, p.Ser1204Gly (NM_001407648.1, NM_001407664.1, NM_001407665.1 and 19 more transcripts); c.3607A>G, p.Ser1203Gly (NM_001407649.1, NM_001407670.1, NM_001407671.1 and 11 more transcripts); c.3655A>G, p.Ser1219Gly (NM_001407653.1, NM_001407654.1, NM_001407655.1 and 4 more transcripts); c.3652A>G, p.Ser1218Gly (NM_001407659.1, NM_001407660.1, NM_001407661.1 and 1 more transcripts); and 41 more; short protein forms S1198G, S1245G, S1077G, S1134G, S1156G, S1174G, S1203G, S1204G.
Identifiers: ClinVar variation 969347 (VCV000969347.13), dbSNP rs2053536157, ClinGen allele CA10594501.

ClinVar aggregate classification (germline): Conflicting classifications of pathogenicity. Review status: criteria provided, conflicting classifications (1 of 4 stars). 2 submissions from 2 submitters: Uncertain significance (1); Likely benign (1). Last evaluated 2023-03-23.

Conditions:
Hereditary cancer-predisposing syndrome. Also called: Neoplastic Syndromes, Hereditary; Hereditary Cancer Syndrome; Tumor predisposition; Hereditary neoplastic syndrome. Identifiers: Orphanet 140162, MedGen C0027672, MeSH D009386, MONDO:0015356.
Hereditary breast ovarian cancer syndrome. Also called: BRCA1- and BRCA2-Associated Hereditary Breast and Ovarian Cancer; Hereditary breast and ovarian cancer; Hereditary breast and ovarian cancer syndrome; Hereditary breast and/or ovarian cancer syndrome; Hereditary breast and ovarian cancer syndrome (HBOC); Breast and ovarian cancer. Identifiers: Orphanet 145, MedGen C0677776, MeSH D061325, MONDO:0003582. Disease mechanism: loss of function.

Submissions (2):

University of Washington Department of Laboratory Medicine, University of Washington
Classification: Likely benign for Hereditary cancer-predisposing syndrome. Last evaluated: 2023-03-23. Review status: criteria provided, single submitter. Criteria: Dines et al. (Genet Med. 2020). Collection method: curation. Allele origin: germline.
Comment: Missense variant in a coldspot region where missense variants are very unlikely to be pathogenic (PMID:31911673).

BRCA1 coldspot (exon 11 using historical exon numbering). Reclassification based on statistical prior probability

Labcorp Genetics (formerly Invitae), Labcorp
Classification: Uncertain significance for Hereditary breast ovarian cancer syndrome. Last evaluated: 2019-11-14. Review status: criteria provided, single submitter. Criteria: Invitae Variant Classification Sherloc (09022015). Collection method: clinical testing. Allele origin: germline.
Comment: This variant is not present in population databases (ExAC no frequency). In summary, the available evidence is currently insufficient to determine the role of this variant in disease. Therefore, it has been classified as a Variant of Uncertain Significance. Algorithms developed to predict the effect of missense changes on protein structure and function (SIFT, PolyPhen-2, Align-GVGD) all suggest that this variant is likely to be tolerated, but these predictions have not been confirmed by published functional studies and their clinical significance is uncertain. This variant has not been reported in the literature in individuals with BRCA1-related conditions. This sequence change replaces serine with glycine at codon 1245 of the BRCA1 protein (p.Ser1245Gly). The serine residue is moderately conserved and there is a small physicochemical difference between serine and glycine.